The following is an entry in ClinVar:

ClinVar aggregate classification (germline): Uncertain significance (1 of 4 stars; one submission).

Conditions:
Wilson disease (WND). Also called: Wilson's disease. Identifiers: Orphanet 905, MedGen C0019202, MONDO:0010200, OMIM 277900. Disease mechanism: loss of function.

Submission:

All of Us Research Program, National Institutes of Health
Classification: Uncertain significance for Wilson disease. Last evaluated: 2024-04-16. Review status: criteria provided, single submitter. Criteria: ACMG Guidelines, 2015. Collection method: clinical testing. Allele origin: germline. Inheritance: Autosomal recessive inheritance. Observed: 1 variant allele, 1 heterozygote.
Comment: This missense variant replaces methionine with isoleucine at codon 671 of the ATP7B protein. Computational prediction suggests that this variant may have deleterious impact on protein structure and function (internally defined REVEL score threshold >= 0.7, PMID: 27666373). To our knowledge, functional studies have not been reported for this variant. This variant has not been reported in individuals affected with ATP7B-related disorders in the literature. This variant has not been identified in the general population by the Genome Aggregation Database (gnomAD). The available evidence is insufficient to determine the role of this variant in disease conclusively. Therefore, this variant is classified as a Variant of Uncertain Significance.

This study involves interpretation of variants in research participants for the purpose of population health screening. Participant phenotype was not available at the time of variant classification. Additional details can be found in publication PMID: 35346344, PMCID: PMC8962531

NM_000053.4(ATP7B):c.2013G>T (p.Met671Ile)

Gene: ATP7B (ATPase copper transporting beta; minus strand). Cytogenetic location: 13q14.3.
Variant type: single nucleotide variant.
Coding change: c.2013G>T on transcript NM_000053.4 (MANE Select); coding-DNA position 2013, G replaced by T.
Protein change: p.Met671Ile; replaces methionine 671 with isoleucine.
Molecular consequence: missense variant. On other transcripts: intron variant (13).
Genome position (GRCh38, 1-based): chr13:51,960,256, C>A on the plus strand (G>T on the coding strand, the complement: ATP7B is on the minus strand). VCF-style: chr13-51960256-C-A. GRCh37 (hg19) VCF-style: chr13-52534392-C-A.
Other names: c.1680G>T, p.Met560Ile (NM_001243182.2); c.2013G>T, p.Met671Ile (NM_001330578.2, NM_001406511.1, NM_001406512.1 and 16 more transcripts); c.1980G>T, p.Met660Ile (NM_001406514.1, NM_001406524.1); c.1917G>T, p.Met639Ile (NM_001406517.1, NM_001406518.1, NM_001406536.1 and 1 more transcripts); c.1584G>T, p.Met528Ile (NM_001406539.1); c.1870-2649G>T (NM_001406541.1, NM_001005918.3, NM_001406546.1 and 1 more transcripts); c.1870-1712G>T (NM_001406531.1, NM_001406532.1, NM_001406540.1 and 1 more transcripts); c.1774-1712G>T (NM_001406543.1); and 3 more; short protein forms M528I, M560I, M639I, M660I, M671I.
Identifiers: ClinVar variation 3385495 (VCV003385495.1).